The following is an entry in ClinVar:

NM_032043.3(BRIP1):c.1629-1G>T

Gene: BRIP1 (BRCA1 interacting DNA helicase 1; minus strand). Cytogenetic location: 17q23.2.
Variant type: single nucleotide variant.
Coding change: c.1629-1G>T on transcript NM_032043.3 (MANE Select); the canonical splice acceptor site of the intron before coding-DNA position 1629, G replaced by T.
Molecular consequence: splice acceptor variant.
Genome position (GRCh38, 1-based): chr17:61,781,006, C>A on the plus strand (G>T on the coding strand, the complement: BRIP1 is on the minus strand). VCF-style: chr17-61781006-C-A. GRCh37 (hg19) VCF-style: chr17-59858367-C-A.
Identifiers: ClinVar variation 407832 (VCV000407832.13), dbSNP rs1060501757, ClinGen allele CA16615513.
Genomic context (GRCh38, chr17:61,781,006, plus strand): 5'-TCAATCTGATTTGTCCAGGAGTAAGTCTGTTGAATCGCAATTTTATAATCATCTGCAAAT[C>A]TAGATGCAAAGAAAGTGCTAATTAAGTGGCAAAACTTTTAAAACCTATGACCCAGCTACA-3'

ClinVar aggregate classification (germline): Likely pathogenic. Review status: criteria provided, multiple submitters, no conflicts (2 of 4 stars). 3 submissions from 3 submitters: Likely pathogenic (3). Last evaluated 2024-04-17.

Conditions:
Hereditary cancer-predisposing syndrome. Also called: Hereditary neoplastic syndrome; Neoplastic Syndromes, Hereditary; Tumor predisposition; Hereditary Cancer Syndrome. Identifiers: Orphanet 140162, MedGen C0027672, MeSH D009386, MONDO:0015356.
Familial cancer of breast. Also called: Hereditary breast cancer; hereditary breast carcinoma; BREAST CANCER, FAMILIAL. Identifiers: Orphanet 227535, MedGen C0346153, MONDO:0016419, OMIM 114480. Disease mechanism: loss of function.
Fanconi anemia complementation group J. Also called: BRIP1-Related Fanconi Anemia. Identifiers: Orphanet 84, MedGen C1836860, MONDO:0012187, OMIM 609054.

Allele frequency attached by ClinVar (database versions not stated): gnomAD exomes below 0.00001.
gnomAD v4.1: 1 of 1,613,622 alleles (0.000062%); highest among the groups gnomAD compares: Non-Finnish European, 0.000085%; no homozygotes.

Submissions (3):

Labcorp Genetics (formerly Invitae), Labcorp
Classification: Likely pathogenic for Familial cancer of breast; Fanconi anemia complementation group J. Last evaluated: 2024-04-17. Review status: criteria provided, single submitter. Criteria: Invitae Variant Classification Sherloc (09022015). Collection method: clinical testing. Allele origin: germline.
Comment: This sequence change affects an acceptor splice site in intron 11 of the BRIP1 gene. RNA analysis indicates that disruption of this splice site induces altered splicing and may result in an absent or disrupted protein product. This variant is not present in population databases (gnomAD no frequency). Disruption of this splice site has been observed in individual(s) with breast and/or ovarian cancer (PMID: 35626031). ClinVar contains an entry for this variant (Variation ID: 407832). Studies have shown that disruption of this splice site results in activation of a cryptic splice site and introduces a premature termination codon (Invitae). The resulting mRNA is expected to undergo nonsense-mediated decay. In summary, the currently available evidence indicates that the variant is pathogenic, but additional data are needed to prove that conclusively. Therefore, this variant has been classified as Likely Pathogenic.

Myriad Genetics, Inc.
Classification: Likely pathogenic for Familial cancer of breast. Last evaluated: 2023-06-02. Review status: criteria provided, single submitter. Criteria: Myriad Autosomal Dominant, Autosomal Recessive and X-Linked Classification Criteria (2023). Collection method: clinical testing. Allele origin: unknown.
Comment: This variant is considered likely pathogenic. This variant occurs within a consensus splice junction and is predicted to result in abnormal mRNA splicing of either an out-of-frame exon or an in-frame exon necessary for protein stability and/or normal function.

Ambry Genetics
Classification: Likely pathogenic for Hereditary cancer-predisposing syndrome. Last evaluated: 2015-11-21. Review status: criteria provided, single submitter. Criteria: Ambry Variant Classification Scheme 2023. Collection method: clinical testing. Allele origin: germline.
Comment: The c.1629-1G>T intronic variant results from a G to T substitution one nucleotide upstream from coding exon 11 of the BRIP1 gene. This variant was not reported in population based cohorts in the following databases: Database of Single Nucleotide Polymorphisms (dbSNP), NHLBI Exome Sequencing Project (ESP), and 1000 Genomes Project. In the ESP, this variant was not observed in 6503 samples (13006 alleles) with coverage at this position. To date, this alteration has been detected with an allele frequency of approximately 0.001% (greater than 120000 alleles tested) in our clinical cohort. This nucleotide position is highly conserved in available vertebrate species. Using the BDGP and ESEfinder splice site prediction tools, this alteration is predicted to abolish the native splice acceptor site; however, direct evidence is unavailable. Alterations that disrupt the canonical splice donor site are typically deleterious in nature (ACMG Recommendations for Standards for Interpretation and Reporting of Sequence Variations. Revision 2007. Genet Med. 2008;10:294). As such, the c.1629-1G>T variant is classified as likely pathogenic.

Literature cited by the submitters: PubMed 35626031 (cited by Labcorp Genetics (formerly Invitae), Labcorp).